The following is an entry in ClinVar:

ClinVar aggregate classification (germline): Uncertain significance (1 of 4 stars; one submission).

Conditions:
Neuronal ceroid lipofuscinosis 7 (CLN7). Also called: MFSD8-Related Neuronal Ceroid-Lipofuscinosis. Identifiers: Orphanet 168491, Orphanet 228366, MedGen C1838571, MONDO:0012588, OMIM 610951.

Submission:

Labcorp Genetics (formerly Invitae), Labcorp
Classification: Uncertain significance for Neuronal ceroid lipofuscinosis 7. Last evaluated: 2022-04-12. Review status: criteria provided, single submitter. Criteria: Invitae Variant Classification Sherloc (09022015). Collection method: clinical testing. Allele origin: germline.
Comment: Algorithms developed to predict the effect of missense changes on protein structure and function are either unavailable or do not agree on the potential impact of this missense change (SIFT: "Tolerated"; PolyPhen-2: "Possibly Damaging"; Align-GVGD: "Class C0"). In summary, the available evidence is currently insufficient to determine the role of this variant in disease. Therefore, it has been classified as a Variant of Uncertain Significance. This variant has not been reported in the literature in individuals affected with MFSD8-related conditions. This variant is not present in population databases (gnomAD no frequency). This sequence change replaces proline, which is neutral and non-polar, with leucine, which is neutral and non-polar, at codon 127 of the MFSD8 protein (p.Pro127Leu).

NM_001371596.2(MFSD8):c.380C>T (p.Pro127Leu)

Gene: MFSD8 (major facilitator superfamily domain containing 8; minus strand). Cytogenetic location: 4q28.2.
Variant type: single nucleotide variant.
Coding change: c.380C>T on transcript NM_001371596.2 (MANE Select); coding-DNA position 380, C replaced by T.
Protein change: p.Pro127Leu; replaces proline 127 with leucine.
Molecular consequence: missense variant.
Genome position (GRCh38, 1-based): chr4:127,943,811, G>A on the plus strand (C>T on the coding strand, the complement: MFSD8 is on the minus strand). VCF-style: chr4-127943811-G-A. GRCh37 (hg19) VCF-style: chr4-128864966-G-A.
Other names: c.380C>T, p.Pro127Leu (NM_001363520.3, NM_001363521.3, NM_001371591.2 and 5 more transcripts); c.245C>T, p.Pro82Leu (NM_001371590.2, NM_001371595.1, NM_001410765.1); short protein forms P127L, P82L.
Identifiers: ClinVar variation 2150584 (VCV002150584.4), dbSNP rs1331050396, ClinGen allele CA358176768.